The following is an entry in ClinVar:

NM_032043.3(BRIP1):c.919G>A (p.Gly307Arg)

Gene: BRIP1 (BRCA1 interacting DNA helicase 1; minus strand). Cytogenetic location: 17q23.2.
Variant type: single nucleotide variant.
Coding change: c.919G>A on transcript NM_032043.3 (MANE Select); coding-DNA position 919, G replaced by A.
Protein change: p.Gly307Arg; replaces glycine 307 with arginine.
Molecular consequence: missense variant.
Genome position (GRCh38, 1-based): chr17:61,801,474, C>T on the plus strand (G>A on the coding strand, the complement: BRIP1 is on the minus strand). VCF-style: chr17-61801474-C-T. GRCh37 (hg19) VCF-style: chr17-59878835-C-T.
Other names: short protein forms G307R.
Identifiers: ClinVar variation 1766146 (VCV001766146.2), dbSNP rs2077994056, ClinGen allele CA400484330.

ClinVar aggregate classification (germline): Uncertain significance (1 of 4 stars; one submission).

Conditions:
Hereditary cancer-predisposing syndrome. Also called: Neoplastic Syndromes, Hereditary; Tumor predisposition; Hereditary Cancer Syndrome; Hereditary neoplastic syndrome. Identifiers: Orphanet 140162, MedGen C0027672, MeSH D009386, MONDO:0015356.

Submission:

Ambry Genetics
Classification: Uncertain significance for Hereditary cancer-predisposing syndrome. Last evaluated: 2021-10-03. Review status: criteria provided, single submitter. Criteria: Ambry Variant Classification Scheme 2023. Collection method: clinical testing. Allele origin: germline.
Comment: The p.G307R variant (also known as c.919G>A) is located in coding exon 7 of the BRIP1 gene. The glycine at codon 307 is replaced by arginine, an amino acid with dissimilar properties. This change occurs in the first base pair of coding exon 7. This amino acid position is conserved. In addition, the in silico prediction for this alteration is inconclusive. Since supporting evidence is limited at this time, the clinical significance of this alteration remains unclear.